The following is an entry in ClinVar:

NM_006231.4(POLE):c.6675C>T (p.Arg2225=)

Gene: POLE (DNA polymerase epsilon, catalytic subunit; minus strand). Cytogenetic location: 12q24.33.
Variant type: single nucleotide variant.
Coding change: c.6675C>T on transcript NM_006231.4 (MANE Select); coding-DNA position 6675, C replaced by T.
Protein change: p.Arg2225=; no amino-acid change (arginine 2225 retained).
Molecular consequence: synonymous variant.
Genome position (GRCh38, 1-based): chr12:132,624,977, G>A on the plus strand (C>T on the coding strand, the complement: POLE is on the minus strand). VCF-style: chr12-132624977-G-A. GRCh37 (hg19) VCF-style: chr12-133201563-G-A.
Other names: p.Arg2225=.
Identifiers: ClinVar variation 220842 (VCV000220842.79), dbSNP rs149973644, ClinGen allele CA348959.

ClinVar aggregate classification (germline): Benign/Likely benign. Review status: criteria provided, multiple submitters, no conflicts (2 of 4 stars). 20 submissions from 20 submitters: Benign (5); Likely benign (11). 4 of the submissions do not count toward it. Last evaluated 2026-09-01.

Conditions:
Familial colorectal cancer type X. Identifiers: Orphanet 440437, MedGen C3896578, MONDO:0018604.
Polymerase proofreading-related adenomatous polyposis. Also called: Polymerase proofreading associated polyposis; Polymerase proofreading–associated polyposis (PPAP). Identifiers: Orphanet 447877, MedGen C5202613, MONDO:0018653.
Hereditary cancer-predisposing syndrome. Also called: Neoplastic Syndromes, Hereditary; Tumor predisposition; Hereditary Cancer Syndrome; Hereditary neoplastic syndrome. Identifiers: Orphanet 140162, MedGen C0027672, MeSH D009386, MONDO:0015356.
Colorectal cancer, susceptibility to, 12 (CRCS12). Also called: COLORECTAL CANCER, SUSCEPTIBILITY TO, ON CHROMOSOME 12q24. Identifiers: Orphanet 220460, MedGen C3554460, MONDO:0014038, OMIM 615083.

Allele frequency attached by ClinVar (database versions not stated): 1000 Genomes Project 0.00040; 1000 Genomes Project 30x 0.00047; ExAC 0.00121; gnomAD exomes 0.00121; gnomAD 0.00125 and 0.00127; TOPMed 0.00136; ESP Exome Variant Server 0.00177.
gnomAD v4.1: 3,387 of 1,613,792 alleles (0.21%); highest among the groups gnomAD compares: Non-Finnish European, 0.26%; 6 homozygotes.

Submissions (20):

CeGaT Center for Human Genetics Tuebingen
Classification: Likely benign. Last evaluated: 2026-09-01. Review status: criteria provided, single submitter. Criteria: CeGaT Center For Human Genetics Tuebingen Variant Classification Criteria Version 2. Collection method: clinical testing. Allele origin: germline. Affected: yes. Observed: 25 variant alleles.
Comment: POLE: BP4, BP7

Labcorp Genetics (formerly Invitae), Labcorp
Classification: Benign. Last evaluated: 2026-02-04. Review status: criteria provided, single submitter. Criteria: Invitae Variant Classification Sherloc (09022015). Collection method: clinical testing. Allele origin: germline.

Mayo Clinic Laboratories, Mayo Clinic
Classification: Likely benign. Last evaluated: 2025-08-27. Review status: criteria provided, single submitter. Criteria: ACMG Guidelines, 2015. Collection method: clinical testing. Allele origin: germline. Observed: 4 variant alleles.
Comment: BS1, BP4, BP7

Center for Genomic Medicine, Rigshospitalet, Copenhagen University Hospital
Classification: Likely benign. Last evaluated: 2025-03-04. Review status: criteria provided, single submitter. Criteria: ACMG Guidelines, 2015. Collection method: clinical testing. Allele origin: germline.

Blueprint Genetics
Classification: Likely benign. Last evaluated: 2024-11-21. Review status: criteria provided, single submitter. Criteria: ACMG Guidelines, 2015. Collection method: clinical testing. Allele origin: germline.

KCCC/NGS Laboratory, Kuwait Cancer Control Center
Classification: Benign for Colorectal cancer, susceptibility to, 12. Last evaluated: 2023-07-07. Review status: criteria provided, single submitter. Criteria: ACMG Guidelines, 2015. Collection method: clinical testing. Allele origin: germline. Affected: yes.

Department of Pathology and Laboratory Medicine, Sinai Health System
Classification: Likely benign for Polymerase proofreading-related adenomatous polyposis; Familial colorectal cancer type X. Last evaluated: 2023-04-06. Review status: criteria provided, single submitter. Criteria: ACMG Guidelines, 2015. Collection method: clinical testing. Allele origin: germline. Affected: yes.

ARUP Laboratories, Molecular Genetics and Genomics, ARUP Laboratories
Classification: Likely benign. Last evaluated: 2023-03-24. Review status: criteria provided, single submitter. Criteria: ARUP Molecular Germline Variant Investigation Process 2024. Collection method: clinical testing. Allele origin: germline.

Women's Health and Genetics/Laboratory Corporation of America, LabCorp
Classification: Benign. Last evaluated: 2022-05-05. Review status: criteria provided, single submitter. Criteria: LabCorp Variant Classification Summary - May 2015. Collection method: clinical testing. Allele origin: germline.

Genetic Services Laboratory, University of Chicago
Classification: Likely benign. Last evaluated: 2021-11-22. Review status: criteria provided, single submitter. Criteria: ACMG Guidelines, 2015. Collection method: clinical testing. Allele origin: germline. Affected: no.

Sema4
Classification: Benign for Hereditary cancer-predisposing syndrome. Last evaluated: 2020-09-16. Review status: criteria provided, single submitter. Criteria: Sema4 Curation Guidelines. Collection method: curation. Allele origin: germline.

GeneDx
Classification: Likely benign. Last evaluated: 2020-07-27. Review status: criteria provided, single submitter. Criteria: GeneDx Variant Classification Process June 2021. Collection method: clinical testing. Allele origin: germline. Affected: yes.

Quest Diagnostics Nichols Institute San Juan Capistrano
Classification: Benign. Last evaluated: 2017-06-09. Review status: criteria provided, single submitter. Criteria: Quest Diagnostics criteria. Collection method: clinical testing. Allele origin: unknown.

PreventionGenetics, part of Exact Sciences
Classification: Likely benign. Last evaluated: 2017-05-09. Review status: criteria provided, single submitter. Criteria: ACMG Guidelines, 2015. Collection method: clinical testing. Allele origin: germline.

Ambry Genetics
Classification: Likely benign for Hereditary cancer-predisposing syndrome. Last evaluated: 2015-06-19. Review status: criteria provided, single submitter. Criteria: Ambry Variant Classification Scheme 2023. Collection method: clinical testing. Allele origin: germline.

Breakthrough Genomics
Classification: Likely benign. Review status: criteria provided, single submitter. Criteria: ACMG Guidelines, 2015. Collection method: not provided. Allele origin: germline. Inheritance: Autosomal recessive inheritance. Affected: yes.

Clinical Genetics DNA and cytogenetics Diagnostics Lab, Erasmus MC, Erasmus Medical Center
Classification: Likely benign. Review status: no assertion criteria provided. Collection method: clinical testing. Allele origin: germline. Affected: yes. Study: VKGL Data-share Consensus. Not counted in ClinVar's aggregate classification.

Clinical Genetics, Academic Medical Center
Classification: Benign. Review status: no assertion criteria provided. Collection method: clinical testing. Allele origin: germline. Affected: yes. Study: VKGL Data-share Consensus. Not counted in ClinVar's aggregate classification.

Genome Diagnostics Laboratory, Amsterdam University Medical Center
Classification: Likely benign. Review status: no assertion criteria provided. Collection method: clinical testing. Allele origin: germline. Affected: yes. Study: VKGL Data-share Consensus. Not counted in ClinVar's aggregate classification.

Joint Genome Diagnostic Labs from Nijmegen and Maastricht, Radboudumc and MUMC+
Classification: Likely benign. Review status: no assertion criteria provided. Collection method: clinical testing. Allele origin: germline. Affected: yes. Study: VKGL Data-share Consensus. Not counted in ClinVar's aggregate classification.